The following is an entry in ClinVar:

NM_000138.5(FBN1):c.6175A>C (p.Ser2059Arg)

Gene: FBN1 (fibrillin 1; minus strand). Cytogenetic location: 15q21.1.
Variant type: single nucleotide variant.
Coding change: c.6175A>C on transcript NM_000138.5 (MANE Select); coding-DNA position 6175, A replaced by C.
Protein change: p.Ser2059Arg; replaces serine 2059 with arginine.
Molecular consequence: missense variant.
Genome position (GRCh38, 1-based): chr15:48,437,906, T>G on the plus strand (A>C on the coding strand, the complement: FBN1 is on the minus strand). VCF-style: chr15-48437906-T-G. GRCh37 (hg19) VCF-style: chr15-48730103-T-G.
Other names: c.6175A>C, p.Ser2059Arg (NM_001406716.1); short protein forms S2059R.
Identifiers: ClinVar variation 1752023 (VCV001752023.2), dbSNP rs2505438896, ClinGen allele CA392337303.
Genomic context (GRCh38, chr15:48,437,906, plus strand): 5'-AGTGATTTCTGGATTTGGGTGATGAACACTTTCCTCCTTCAAACTTCGCATAACAGTAGC[T>G]CATTCGCAAATCTGCAGCATAAATTTATGACACCCTTCAGTTGCTTTCCTACTGAGTCCG-3'
Protein context (NP_000129.3, residues 2049-2069): SGRRCQDLRM[Ser2059Arg]YCYAKFEGGK

ClinVar aggregate classification (germline): Uncertain significance (1 of 4 stars; one submission).

Conditions:
Familial thoracic aortic aneurysm and aortic dissection (TAAD). Also called: Thoracic aortic aneurysms and dissections. Identifiers: Orphanet 91387, MedGen C4707243, MONDO:0019625.

Allele frequency attached by ClinVar (database versions not stated): gnomAD exomes below 0.00001.
gnomAD v4.1: 2 of 1,613,776 alleles (0.00012%); highest among the groups gnomAD compares: Non-Finnish European, 0.00017%; no homozygotes.

Submission:

Ambry Genetics
Classification: Uncertain significance for Familial thoracic aortic aneurysm and aortic dissection. Last evaluated: 2022-02-20. Review status: criteria provided, single submitter. Criteria: Ambry Variant Classification Scheme 2023. Collection method: clinical testing. Allele origin: germline.
Comment: The p.S2059R variant (also known as c.6175A>C), located in coding exon 50 of the FBN1 gene, results from an A to C substitution at nucleotide position 6175. The serine at codon 2059 is replaced by arginine, an amino acid with dissimilar properties. This amino acid position is well conserved in available vertebrate species. In addition, the in silico prediction for this alteration is inconclusive. Since supporting evidence is limited at this time, the clinical significance of this alteration remains unclear.